The following is an entry in ClinVar:

ClinVar aggregate classification (germline): Uncertain significance (1 of 4 stars; one submission).

Conditions:
Primary ciliary dyskinesia. Also called: Ciliary dyskinesia. Identifiers: Orphanet 244, MedGen C0008780, MONDO:0016575, HP:0012265.

gnomAD v4.1: 20 of 1,613,992 alleles (0.0012%); highest among the groups gnomAD compares: African/African-American, 0.0067%; 1 homozygote.

Submission:

Labcorp Genetics (formerly Invitae), Labcorp
Classification: Uncertain significance for Primary ciliary dyskinesia. Last evaluated: 2022-09-07. Review status: criteria provided, single submitter. Criteria: Invitae Variant Classification Sherloc (09022015). Collection method: clinical testing. Allele origin: germline.
Comment: Algorithms developed to predict the effect of missense changes on protein structure and function are either unavailable or do not agree on the potential impact of this missense change (SIFT: "Tolerated"; PolyPhen-2: "Possibly Damaging"; Align-GVGD: "Class C0"). ClinVar contains an entry for this variant (Variation ID: 1058472). This variant has not been reported in the literature in individuals affected with DNAAF1-related conditions. This variant is not present in population databases (gnomAD no frequency). This sequence change replaces aspartic acid, which is acidic and polar, with histidine, which is basic and polar, at codon 652 of the DNAAF1 protein (p.Asp652His). In summary, the available evidence is currently insufficient to determine the role of this variant in disease. Therefore, it has been classified as a Variant of Uncertain Significance.

NM_178452.6(DNAAF1):c.1954G>C (p.Asp652His)

Gene: DNAAF1 (dynein axonemal assembly factor 1; plus strand). Cytogenetic location: 16q24.1.
Variant type: single nucleotide variant.
Coding change: c.1954G>C on transcript NM_178452.6 (MANE Select); coding-DNA position 1954, G replaced by C.
Protein change: p.Asp652His; replaces aspartic acid 652 with histidine.
Molecular consequence: missense variant.
Genome position (GRCh38, 1-based): chr16:84,176,188, G>C. VCF-style: chr16-84176188-G-C. GRCh37 (hg19) VCF-style: chr16-84209794-G-C.
Other names: c.1246G>C, p.Asp416His (NM_001318756.1); short protein forms D416H, D652H.
Identifiers: ClinVar variation 1058472 (VCV001058472.7), dbSNP rs113845425, ClinGen allele CA285530128.
Genomic context (GRCh38, chr16:84,176,188, plus strand): 5'-GACTTGGAAATCCGAAAACAAGACACCAAGTCCCCAAGACCCCTGATCCAGGAGCTCAGC[G>C]ACGAGGACCCCTCTGGCCAGCTACTGATGCCCCCCACCTGCCAAAGAGATGCTGCACCAC-3'
Protein context (NP_848547.4, residues 642-662): SPRPLIQELS[Asp652His]EDPSGQLLMP